The following is an entry in ClinVar:

NM_000218.3(KCNQ1):c.1514+17876A>C

Genes: KCNQ1 (potassium voltage-gated channel subfamily Q member 1; plus strand), KCNQ1OT1 (KCNQ1 opposite strand/antisense transcript 1; minus strand). Cytogenetic location: 11p15.5.
Variant type: single nucleotide variant.
Coding change: c.1514+17876A>C on transcript NM_000218.3 (MANE Select); 17876 bases into the intron after coding-DNA position 1514, A replaced by C.
Molecular consequence: intron variant. On other transcripts: non-coding transcript variant (1).
Genome position (GRCh38, 1-based): chr11:2,679,957, A>C. VCF-style: chr11-2679957-A-C. GRCh37 (hg19) VCF-style: chr11-2701187-A-C.
Other names: c.1244+17876A>C (NM_001406837.1); c.1418+17876A>C (NM_001406836.1); c.974+17876A>C (NM_001406838.1); c.1133+17876A>C (NM_181798.2).
Identifiers: ClinVar variation 2641480 (VCV002641480.24), dbSNP rs193066736, ClinGen allele CA216184169.

ClinVar aggregate classification (germline): Likely benign (1 of 4 stars; one submission).

Allele frequency attached by ClinVar (database versions not stated): 1000 Genomes Project 0.00260; 1000 Genomes Project 30x 0.00281.
gnomAD v4.1: 426 of 397,286 alleles (0.11%); highest among the groups gnomAD compares: African/African-American, 0.7%; 1 homozygote.

Submission:

CeGaT Center for Human Genetics Tuebingen
Classification: Likely benign. Last evaluated: 2026-04-01. Review status: criteria provided, single submitter. Criteria: CeGaT Center For Human Genetics Tuebingen Variant Classification Criteria Version 2. Collection method: clinical testing. Allele origin: germline. Affected: yes. Observed: 4 variant alleles.
Comment: KCNQ1OT1: BS1